The following is an entry in ClinVar:

NM_001375834.1(WIPF1):c.1177C>T (p.Arg393Trp)

Gene: WIPF1 (WAS/WASL interacting protein family member 1; minus strand). Cytogenetic location: 2q31.1.
Variant type: single nucleotide variant.
Coding change: c.1177C>T on transcript NM_001375834.1 (MANE Select); coding-DNA position 1177, C replaced by T.
Protein change: p.Arg393Trp; replaces arginine 393 with tryptophan.
Molecular consequence: missense variant.
Genome position (GRCh38, 1-based): chr2:174,568,026, G>A on the plus strand (C>T on the coding strand, the complement: WIPF1 is on the minus strand). VCF-style: chr2-174568026-G-A. GRCh37 (hg19) VCF-style: chr2-175432754-G-A.
Other names: c.1177C>T, p.Arg393Trp (NM_001077269.1, NM_001375832.1, NM_001375833.1 and 2 more transcripts); c.799C>T, p.Arg267Trp (NM_001375839.1); short protein forms R267W, R393W.
Identifiers: ClinVar variation 1063135 (VCV001063135.8), dbSNP rs143156793, ClinGen allele CA1973959.
Genomic context (GRCh38, chr2:174,568,026, plus strand): 5'-CACTCCTGGGACTGTCTACTCCACTCCTGGATGGCAACTGAGGGGTAGCAGGCAGGGCCC[G>A]AGATGTGCTGCCGTTTCTGCTTACTGGAGGAGGTGGTGGGAGGGGGCCTGGAGCAAAAAA-3'
Protein context (NP_001362763.1, residues 383-403): PPVSRNGSTS[Arg393Trp]ALPATPQLPS

ClinVar aggregate classification (germline): Uncertain significance. Review status: criteria provided, multiple submitters, no conflicts (2 of 4 stars). 2 submissions from 2 submitters: Uncertain significance (2). Last evaluated 2025-11-12.

Conditions:
Inborn genetic diseases. Identifiers: MedGen C0950123, MeSH D030342.
Wiskott-Aldrich syndrome 2 (WAS2). Also called: WIPF1 DEFICIENCY. Identifiers: Orphanet 906, MedGen C3281001, MONDO:0013779, OMIM 614493.

Allele frequency attached by ClinVar (database versions not stated): gnomAD 0.00004 and 0.00005; gnomAD exomes 0.00004; ExAC 0.00005; TOPMed 0.00005; ESP Exome Variant Server 0.00008.

Submissions (2):

Labcorp Genetics (formerly Invitae), Labcorp
Classification: Uncertain significance for Wiskott-Aldrich syndrome 2. Last evaluated: 2025-11-12. Review status: criteria provided, single submitter. Criteria: Invitae Variant Classification Sherloc (09022015). Collection method: clinical testing. Allele origin: germline.
Comment: This sequence change replaces arginine, which is basic and polar, with tryptophan, which is neutral and slightly polar, at codon 393 of the WIPF1 protein (p.Arg393Trp). This variant is present in population databases (rs143156793, gnomAD 0.06%). This variant has not been reported in the literature in individuals affected with WIPF1-related conditions. ClinVar contains an entry for this variant (Variation ID: 1063135). An algorithm developed to predict the effect of missense changes on protein structure and function (PolyPhen-2) suggests that this variant is likely to be disruptive. In summary, the available evidence is currently insufficient to determine the role of this variant in disease. Therefore, it has been classified as a Variant of Uncertain Significance.

Ambry Genetics
Classification: Uncertain significance for Inborn genetic diseases. Last evaluated: 2021-12-07. Review status: criteria provided, single submitter. Criteria: Ambry Variant Classification Scheme 2023. Collection method: clinical testing. Allele origin: germline.